The following is an entry in ClinVar:

ClinVar aggregate classification (germline): Likely pathogenic (1 of 4 stars; one submission).

Conditions:
Charcot-Marie-Tooth disease type 4. Also called: Charcot-Marie-Tooth disease, type IV; Charcot-Marie-Tooth, Type 4. Identifiers: Orphanet 64749, MedGen C4082197, MONDO:0018995.

Submission:

Labcorp Genetics (formerly Invitae), Labcorp
Classification: Likely pathogenic for Charcot-Marie-Tooth disease type 4. Last evaluated: 2023-08-28. Review status: criteria provided, single submitter. Criteria: Invitae Variant Classification Sherloc (09022015). Collection method: clinical testing. Allele origin: germline.
Comment: Algorithms developed to predict the effect of sequence changes on RNA splicing suggest that this variant may disrupt the consensus splice site. This sequence change affects a donor splice site in intron 20 of the FIG4 gene. It is expected to disrupt RNA splicing. Variants that disrupt the donor or acceptor splice site typically lead to a loss of protein function (PMID: 16199547), and loss-of-function variants in FIG4 are known to be pathogenic (PMID: 23623387, 30740813). This variant is not present in population databases (gnomAD no frequency). This variant has not been reported in the literature in individuals affected with FIG4-related conditions. In summary, the currently available evidence indicates that the variant is pathogenic, but additional data are needed to prove that conclusively. Therefore, this variant has been classified as Likely Pathogenic.

Literature cited by the submitters: PubMed 16199547; PubMed 23623387; PubMed 30740813.

NM_014845.6(FIG4):c.2376+1G>A

Gene: FIG4 (FIG4 phosphoinositide 5-phosphatase; plus strand). Cytogenetic location: 6q21.
Variant type: single nucleotide variant.
Coding change: c.2376+1G>A on transcript NM_014845.6 (MANE Select); the canonical splice donor site of the intron after coding-DNA position 2376, G replaced by A.
Molecular consequence: splice donor variant.
Genome position (GRCh38, 1-based): chr6:109,791,572, G>A. VCF-style: chr6-109791572-G-A. GRCh37 (hg19) VCF-style: chr6-110112775-G-A.
Identifiers: ClinVar variation 2755923 (VCV002755923.3), dbSNP rs753008987, ClinGen allele CA365216944.
Genomic context (GRCh38, chr6:109,791,572, plus strand): 5'-TCTCAGCGCTCCACTCCCGTGAAGATGACTGATGCAGGAGACAGTGCCAAAGTGACCGAG[G>A]TGCGGGGGAGGGAAGCCTGTGGCATCCAGCCTGAAGCCCTGGAAAATGATCTTTACAACT-3'